The following is an entry in ClinVar:

NM_001792.5(CDH2):c.989TCA[1] (p.Ile331del)

Gene: CDH2 (cadherin 2; minus strand). Cytogenetic location: 18q12.1.
Variant type: Microsatellite.
Coding change: c.989TCA[1] on transcript NM_001792.5 (MANE Select); one copy of the 3-base unit TCA starting at c.989; the reference has two copies in a row; one copy, 3 bases deleted.
Protein change: p.Ile331del; deletes isoleucine 331.
Molecular consequence: inframe deletion.
Genome position (GRCh38, 1-based): chr18:28,003,023-28,003,025, TGA deleted on the plus strand (TCA on the coding strand, the reverse complement: CDH2 is on the minus strand); deleting any 3 consecutive bases within chr18:28,003,023-28,003,030 gives the same sequence; the position shown is the placement nearest the transcript's 3' end. VCF-style (leftmost placement, unchanged base first): chr18-28003022-GTGA-G. GRCh37 (hg19) VCF-style: chr18-25582986-GTGA-G.
Other names: c.896TCA[1], p.Ile300del (NM_001308176.2); short protein forms I300del, I331del.
Identifiers: ClinVar variation 2026776 (VCV002026776.4), dbSNP rs2510808329, ClinGen allele CA2580612962.

ClinVar aggregate classification (germline): Uncertain significance (1 of 4 stars; one submission).

Submission:

Labcorp Genetics (formerly Invitae), Labcorp
Classification: Uncertain significance. Last evaluated: 2022-08-24. Review status: criteria provided, single submitter. Criteria: Invitae Variant Classification Sherloc (09022015). Collection method: clinical testing. Allele origin: germline.
Comment: This variant, c.992_994del, results in the deletion of 1 amino acid(s) of the CDH2 protein (p.Ile331del), but otherwise preserves the integrity of the reading frame. This variant is not present in population databases (gnomAD no frequency). This variant has not been reported in the literature in individuals affected with CDH2-related conditions. Experimental studies and prediction algorithms are not available or were not evaluated, and the functional significance of this variant is currently unknown. In summary, the available evidence is currently insufficient to determine the role of this variant in disease. Therefore, it has been classified as a Variant of Uncertain Significance.